The following is an entry in ClinVar:

NM_198834.3(ACACA):c.225G>T (p.Lys75Asn)

Gene: ACACA (acetyl-CoA carboxylase alpha; minus strand). Cytogenetic location: 17q12.
Variant type: single nucleotide variant.
Coding change: c.225G>T on transcript NM_198834.3 (MANE Select); coding-DNA position 225, G replaced by T.
Protein change: p.Lys75Asn; replaces lysine 75 with asparagine.
Molecular consequence: missense variant.
Genome position (GRCh38, 1-based): chr17:37,330,286, C>A on the plus strand (G>T on the coding strand, the complement: ACACA is on the minus strand). VCF-style: chr17-37330286-C-A. GRCh37 (hg19) VCF-style: chr17-35687226-C-A.
Other names: c.114G>T, p.Lys38Asn (NM_198836.3, NM_198839.3); short protein forms K38N, K75N.
Identifiers: ClinVar variation 2804353 (VCV002804353.3), dbSNP rs2547061340, ClinGen allele CA398748009.

ClinVar aggregate classification (germline): Uncertain significance (1 of 4 stars; one submission).

Allele frequency attached by ClinVar (database versions not stated): gnomAD exomes below 0.00001.
gnomAD v4.1: 1 of 1,614,224 alleles (0.000062%); highest among the groups gnomAD compares: South Asian, 0.0011%; no homozygotes.

Submission:

Labcorp Genetics (formerly Invitae), Labcorp
Classification: Uncertain significance. Last evaluated: 2023-02-16. Review status: criteria provided, single submitter. Criteria: Invitae Variant Classification Sherloc (09022015). Collection method: clinical testing. Allele origin: germline.
Comment: This sequence change replaces lysine, which is basic and polar, with asparagine, which is neutral and polar, at codon 38 of the ACACA protein (p.Lys38Asn). This variant is not present in population databases (gnomAD no frequency). This variant has not been reported in the literature in individuals affected with ACACA-related conditions. An algorithm developed to predict the effect of missense changes on protein structure and function (PolyPhen-2) suggests that this variant is likely to be tolerated. In summary, the available evidence is currently insufficient to determine the role of this variant in disease. Therefore, it has been classified as a Variant of Uncertain Significance.